The following is an entry in ClinVar:

NM_000051.4(ATM):c.5006-7T>C

Gene: ATM (ATM serine/threonine kinase; plus strand). Cytogenetic location: 11q22.3.
Variant type: single nucleotide variant.
Coding change: c.5006-7T>C on transcript NM_000051.4 (MANE Select); 7 bases into the intron before coding-DNA position 5006, T replaced by C.
Molecular consequence: intron variant.
Genome position (GRCh38, 1-based): chr11:108,299,707, T>C. VCF-style: chr11-108299707-T-C. GRCh37 (hg19) VCF-style: chr11-108170434-T-C.
Other names: c.5006-7T>C (NM_001351834.2).
Identifiers: ClinVar variation 3254444 (VCV003254444.1), dbSNP rs2546963683.
Genomic context (GRCh38, chr11:108,299,707, plus strand): 5'-AGAAAATTTCAGTTTTATGTATGATCTCTTACCTATGACTCTACTGAAATAGAATTTCTA[T>C]ATGTAGAGGCTGTTGGAAGCTGCTTGGGAGAAGTGGGTCCTATAGATTTCTCTACCATAG-3'

ClinVar aggregate classification (germline): Likely benign (1 of 4 stars; one submission).

Conditions:
Familial cancer of breast. Also called: BREAST CANCER, FAMILIAL; Hereditary breast cancer; hereditary breast carcinoma. Identifiers: Orphanet 227535, MedGen C0346153, MONDO:0016419, OMIM 114480. Disease mechanism: loss of function.

Allele frequency attached by ClinVar (database versions not stated): gnomAD exomes below 0.00001.
gnomAD v4.1: 1 of 1,613,242 alleles (0.000062%); highest among the groups gnomAD compares: South Asian, 0.0011%; no homozygotes.

Submission:

Myriad Genetics, Inc.
Classification: Likely benign for Familial cancer of breast. Last evaluated: 2024-05-22. Review status: criteria provided, single submitter. Criteria: Myriad Autosomal Dominant, Autosomal Recessive and X-Linked Classification Criteria (2023). Collection method: clinical testing. Allele origin: unknown.
Comment: This variant is considered likely benign. This variant is intronic and is not expected to impact mRNA splicing.